The following is an entry in ClinVar:

NM_001042492.3(NF1):c.4174-2del

Gene: NF1 (neurofibromin 1; plus strand). Cytogenetic location: 17q11.2.
Variant type: Deletion.
Coding change: c.4174-2del on transcript NM_001042492.3 (MANE Select); the canonical splice acceptor site of the intron before coding-DNA position 4174, one base deleted (A; older notation c.4174-2delA).
Molecular consequence: splice acceptor variant.
Genome position (GRCh38, 1-based): chr17:31,258,342, A deleted. VCF-style (leftmost placement, unchanged base first): chr17-31258341-TA-T. GRCh37 (hg19) VCF-style: chr17-29585359-TA-T.
Other names: c.4111-2del (NM_000267.4).
Identifiers: ClinVar variation 1481471 (VCV001481471.6), dbSNP rs2151461734, ClinGen allele CA2573153570.
Genomic context (GRCh38, chr17:31,258,341, plus strand): 5'-TTTGTTTTCATGTCTTTATATTAATTCAAACCTTATACTCAATTCTCAACTCCTTGTTTT[TA>T]GGTGGTTAGCCAGCGTTTCCCTCAGAACAGCATCGGTGCAGTAGGAAGTGCCATGTTCCT-3'

ClinVar aggregate classification (germline): Likely pathogenic (1 of 4 stars; one submission).

Conditions:
Neurofibromatosis, type 1 (NF1). Also called: Neurofibromatosis, type I; VON RECKLINGHAUSEN DISEASE; NEUROFIBROMATOSIS, TYPE I, SOMATIC; Peripheral type neurofibromatosis. Identifiers: Orphanet 636, MedGen C0027831, MONDO:0018975, OMIM 162200. Disease mechanism: loss of function.

Submission:

Labcorp Genetics (formerly Invitae), Labcorp
Classification: Likely pathogenic for Neurofibromatosis, type 1. Last evaluated: 2021-07-24. Review status: criteria provided, single submitter. Criteria: Invitae Variant Classification Sherloc (09022015). Collection method: clinical testing. Allele origin: germline.
Comment: This sequence change affects a splice site in intron 30 of the NF1 gene. It is expected to disrupt RNA splicing. Variants that disrupt the donor or acceptor splice site typically lead to a loss of protein function (PMID: 16199547), and loss-of-function variants in NF1 are known to be pathogenic (PMID: 10712197, 23913538). This variant is not present in population databases (ExAC no frequency). This variant has not been reported in the literature in individuals affected with NF1-related conditions. Algorithms developed to predict the effect of sequence changes on RNA splicing suggest that this variant may disrupt the consensus splice site. In summary, the currently available evidence indicates that the variant is pathogenic, but additional data are needed to prove that conclusively. Therefore, this variant has been classified as Likely Pathogenic.

Literature cited by the submitters: PubMed 16199547; PubMed 10712197; PubMed 23913538.